The following is an entry in ClinVar:

ClinVar aggregate classification (germline): Uncertain significance (1 of 4 stars; one submission).

Submission:

GeneDx
Classification: Uncertain significance. Last evaluated: 2023-11-08. Review status: criteria provided, single submitter. Criteria: GeneDx Variant Classification Process June 2021. Collection method: clinical testing. Allele origin: germline. Affected: yes.
Comment: Not observed at significant frequency in large population cohorts (gnomAD); In silico analysis supports that this missense variant has a deleterious effect on protein structure/function; Has not been previously published as pathogenic or benign to our knowledge

NM_014991.6(WDFY3):c.6151C>A (p.Arg2051Ser)

Gene: WDFY3 (WD repeat and FYVE domain containing 3; minus strand). Cytogenetic location: 4q21.23.
Variant type: single nucleotide variant.
Coding change: c.6151C>A on transcript NM_014991.6 (MANE Select); coding-DNA position 6151, C replaced by A.
Protein change: p.Arg2051Ser; replaces arginine 2051 with serine.
Molecular consequence: missense variant.
Genome position (GRCh38, 1-based): chr4:84,741,844, G>T on the plus strand (C>A on the coding strand, the complement: WDFY3 is on the minus strand). VCF-style: chr4-84741844-G-T. GRCh37 (hg19) VCF-style: chr4-85662997-G-T.
Other names: short protein forms R2051S.
Identifiers: ClinVar variation 3364071 (VCV003364071.1).